The following is an entry in ClinVar:

ClinVar aggregate classification (germline): Uncertain significance. Review status: criteria provided, multiple submitters, no conflicts (2 of 4 stars). 7 submissions from 7 submitters: Uncertain significance (6). 1 of the submissions does not count toward it. Last evaluated 2026-05-11.

Conditions:
Inborn genetic diseases. Identifiers: MedGen C0950123, MeSH D030342.
CDH23-related disorder. Also called: CDH23-related condition; CDH23-related disorders.
Usher syndrome type 1 (USH1). Also called: RETINITIS PIGMENTOSA AND CONGENITAL DEAFNESS. Identifiers: Orphanet 231169, Orphanet 886, MedGen C1568247, MONDO:0010168, OMIM 276900.

Allele frequency attached by ClinVar (database versions not stated): ESP Exome Variant Server 0.00024; gnomAD 0.00027 and 0.00031; 1000 Genomes Project 30x 0.00031; TOPMed 0.00048; gnomAD exomes 0.00004 and 0.00008; ExAC 0.00009.
gnomAD v4.1: 108 of 1,614,004 alleles (0.0067%); highest among the groups gnomAD compares: African/African-American, 0.055%; 1 homozygote.

Submissions (7):

PreventionGenetics, part of Exact Sciences
Classification: Uncertain significance for CDH23-related condition. Last evaluated: 2026-05-11. Review status: criteria provided, single submitter. Criteria: ACMG Guidelines, 2015. Collection method: clinical testing. Allele origin: germline.
Comment: The CDH23 c.6377G>A variant is predicted to result in the amino acid substitution p.Arg2126His. To our knowledge, this variant has not been reported in the literature. This variant is reported in 0.050% of alleles in individuals of African descent in gnomAD. At this time, the clinical significance of this variant is uncertain due to the absence of conclusive functional and genetic evidence.

Ambry Genetics
Classification: Uncertain significance for Inborn genetic diseases. Last evaluated: 2025-12-31. Review status: criteria provided, single submitter. Criteria: Ambry Variant Classification Scheme 2023. Collection method: clinical testing. Allele origin: germline.

GeneDx
Classification: Uncertain significance. Last evaluated: 2025-09-12. Review status: criteria provided, single submitter. Criteria: GeneDx Variant Classification Process June 2021. Collection method: clinical testing. Allele origin: germline. Affected: yes.
Comment: In silico analysis suggests that this missense variant does not alter protein structure/function; Has not been previously published as pathogenic or benign to our knowledge

Blueprint Genetics
Classification: Uncertain significance. Last evaluated: 2023-09-01. Review status: criteria provided, single submitter. Criteria: ACMG Guidelines, 2015. Collection method: clinical testing. Allele origin: germline.

Labcorp Genetics (formerly Invitae), Labcorp
Classification: Uncertain significance. Last evaluated: 2022-09-27. Review status: criteria provided, single submitter. Criteria: Invitae Variant Classification Sherloc (09022015). Collection method: clinical testing. Allele origin: germline.
Comment: This sequence change replaces arginine, which is basic and polar, with histidine, which is basic and polar, at codon 2126 of the CDH23 protein (p.Arg2126His). This variant is present in population databases (rs201942629, gnomAD 0.05%). This variant has not been reported in the literature in individuals affected with CDH23-related conditions. ClinVar contains an entry for this variant (Variation ID: 504556). Advanced modeling of protein sequence and biophysical properties (such as structural, functional, and spatial information, amino acid conservation, physicochemical variation, residue mobility, and thermodynamic stability) performed at Invitae indicates that this missense variant is not expected to disrupt CDH23 protein function. In summary, the available evidence is currently insufficient to determine the role of this variant in disease. Therefore, it has been classified as a Variant of Uncertain Significance.

Laboratory for Molecular Medicine, Mass General Brigham Personalized Medicine
Classification: Uncertain significance. Last evaluated: 2016-06-02. Review status: criteria provided, single submitter. Criteria: LMM Criteria. Collection method: clinical testing. Allele origin: germline. Observed: 1 variant allele.
Comment: The p.Arg2126His variant in CDH23 has not been previously reported in individual s with hearing loss or Usher syndrome, but has been identified in 5/9762 African chromosomes by the Exome Aggregation Consortium (ExAC; dbSNP rs148497691). Although this variant has been seen in the general p opulation, its frequency is not high enough to rule out a pathogenic role. The a rginine (Arg) at position 2126 is not highly conserved in mammals and evolutiona ry distant species, and 2 mammals (white rhinoceros and Chinese hamster) carry a histidine (His), raising the possibility that this change at this position may be tolerated. However, additional computational prediction tools suggest that th is variant may impact the protein, though this information is not predictive eno ugh to determine pathogenicity. In summary, the clinical significance of the p.A rg2126His variant is uncertain.

Natera, Inc.
Classification: Uncertain significance for Usher syndrome type 1. Last evaluated: 2020-04-17. Review status: no assertion criteria provided. Collection method: clinical testing. Allele origin: germline. Not counted in ClinVar's aggregate classification.

NM_022124.6(CDH23):c.6377G>A (p.Arg2126His)

Gene: CDH23 (cadherin related 23; plus strand). Cytogenetic location: 10q22.1.
Variant type: single nucleotide variant.
Coding change: c.6377G>A on transcript NM_022124.6 (MANE Select); coding-DNA position 6377, G replaced by A.
Protein change: p.Arg2126His; replaces arginine 2126 with histidine.
Molecular consequence: missense variant.
Genome position (GRCh38, 1-based): chr10:71,793,305, G>A. VCF-style: chr10-71793305-G-A. GRCh37 (hg19) VCF-style: chr10-73553062-G-A.
Other names: short protein forms R2126H.
Identifiers: ClinVar variation 504556 (VCV000504556.16), dbSNP rs201942629, ClinGen allele CA5546065.